The following is an entry in ClinVar:

ClinVar aggregate classification (germline): Uncertain significance (1 of 4 stars; one submission).

gnomAD v4.1: 2 of 1,613,622 alleles (0.00012%); highest among the groups gnomAD compares: African/African-American, 0.0027%; no homozygotes.

Submission:

Mayo Clinic Laboratories, Mayo Clinic
Classification: Uncertain significance. Last evaluated: 2023-10-30. Review status: criteria provided, single submitter. Criteria: ACMG Guidelines, 2015. Collection method: clinical testing. Allele origin: germline. Observed: 1 variant allele.
Comment: PM2

NM_001129.5(AEBP1):c.1066T>C (p.Trp356Arg)

Gene: AEBP1 (AE binding protein 1; plus strand). Cytogenetic location: 7p13.
Variant type: single nucleotide variant.
Coding change: c.1066T>C on transcript NM_001129.5 (MANE Select); coding-DNA position 1066, T replaced by C.
Protein change: p.Trp356Arg; replaces tryptophan 356 with arginine.
Molecular consequence: missense variant.
Genome position (GRCh38, 1-based): chr7:44,109,154, T>C. VCF-style: chr7-44109154-T-C. GRCh37 (hg19) VCF-style: chr7-44148753-T-C.
Other names: p.Trp356Arg; short protein forms W356R.
Identifiers: ClinVar variation 3379757 (VCV003379757.1).
Genomic context (GRCh38, chr7:44,109,154, plus strand): 5'-TTGCACCTTCCAGAGAAACCCAAAAAGGAGGACAGCAGCCCCAAGGAGGAGACCGACAAG[T>C]GGGCAGTGGAGAAGGGCAAGGACCACAAAGGTGTGTGGCTGGGGCTTGGGGCCTGGGTCC-3'
Protein context (NP_001120.3, residues 346-366): DSSPKEETDK[Trp356Arg]AVEKGKDHKE